The following is an entry in ClinVar:

ClinVar aggregate classification (germline): Uncertain significance (1 of 4 stars; one submission).

Conditions:
Symmetrical dyschromatosis of extremities (DSH). Also called: DYSCHROMATOSIS SYMMETRICA HEREDITARIA 1; RETICULATE ACROPIGMENTATION OF DOHI; SYMMETRIC DYSCHROMATOSIS OF THE EXTREMITIES; Dyschromatosis symmetrica hereditaria. Identifiers: Orphanet 41, MedGen C0406775, MONDO:0007483, OMIM 127400.
Aicardi-Goutieres syndrome 6 (AGS6). Identifiers: Orphanet 51, MedGen C3539013, MONDO:0014007, OMIM 615010.

Submission:

Labcorp Genetics (formerly Invitae), Labcorp
Classification: Uncertain significance for Aicardi-Goutieres syndrome 6; Symmetrical dyschromatosis of extremities. Last evaluated: 2021-04-19. Review status: criteria provided, single submitter. Criteria: Invitae Variant Classification Sherloc (09022015). Collection method: clinical testing. Allele origin: germline.
Comment: In summary, the available evidence is currently insufficient to determine the role of this variant in disease. Therefore, it has been classified as a Variant of Uncertain Significance. Algorithms developed to predict the effect of missense changes on protein structure and function are either unavailable or do not agree on the potential impact of this missense change (SIFT: "Deleterious"; PolyPhen-2: "Probably Damaging"; Align-GVGD: "Class C0"). This variant has not been reported in the literature in individuals with ADAR-related conditions. This variant is not present in population databases (ExAC no frequency). This sequence change replaces leucine with arginine at codon 1031 of the ADAR protein (p.Leu1031Arg). The leucine residue is highly conserved and there is a moderate physicochemical difference between leucine and arginine.

NM_001111.5(ADAR):c.3092T>G (p.Leu1031Arg)

Gene: ADAR (adenosine deaminase RNA specific; minus strand). Cytogenetic location: 1q21.3.
Variant type: single nucleotide variant.
Coding change: c.3092T>G on transcript NM_001111.5 (MANE Select); coding-DNA position 3092, T replaced by G.
Protein change: p.Leu1031Arg; replaces leucine 1031 with arginine.
Molecular consequence: missense variant.
Genome position (GRCh38, 1-based): chr1:154,586,291, A>C on the plus strand (T>G on the coding strand, the complement: ADAR is on the minus strand). VCF-style: chr1-154586291-A-C. GRCh37 (hg19) VCF-style: chr1-154558767-A-C.
Other names: c.2207T>G, p.Leu736Arg (NM_001025107.3, NM_001193495.2, NM_001365046.1 and 2 more transcripts); c.3119T>G, p.Leu1040Arg (NM_001365045.1); c.2129T>G, p.Leu710Arg (NM_001365049.1); c.3014T>G, p.Leu1005Arg (NM_015840.4); c.2957T>G, p.Leu986Arg (NM_015841.4); short protein forms L1040R, L986R, L1005R, L710R, L1031R, L736R.
Identifiers: ClinVar variation 1422582 (VCV001422582.8), dbSNP rs2101566565, ClinGen allele CA342635745.